The following is an entry in ClinVar:

ClinVar aggregate classification (germline): Uncertain significance (1 of 4 stars; one submission).

Conditions:
NIK deficiency. Also called: Primary immunodeficiency with multifaceted aberrant lymphoid immunity. Identifiers: Orphanet 447731, MedGen C5680065, MONDO:0018642.

Allele frequency attached by ClinVar (database versions not stated): ExAC 0.00003; gnomAD exomes 0.00005; TOPMed 0.00050; gnomAD 0.00060.
gnomAD v4.1: 160 of 1,613,876 alleles (0.0099%); highest among the groups gnomAD compares: Admixed American, 0.23%; 1 homozygote.

Submission:

Labcorp Genetics (formerly Invitae), Labcorp
Classification: Uncertain significance for NIK deficiency. Last evaluated: 2022-05-27. Review status: criteria provided, single submitter. Criteria: Invitae Variant Classification Sherloc (09022015). Collection method: clinical testing. Allele origin: germline.
Comment: This sequence change replaces arginine, which is basic and polar, with glutamine, which is neutral and polar, at codon 143 of the MAP3K14 protein (p.Arg143Gln). This variant is present in population databases (rs369531162, gnomAD 0.1%). This variant has not been reported in the literature in individuals affected with MAP3K14-related conditions. Experimental studies and prediction algorithms are not available or were not evaluated, and the functional significance of this variant is currently unknown. In summary, the available evidence is currently insufficient to determine the role of this variant in disease. Therefore, it has been classified as a Variant of Uncertain Significance.

NM_003954.5(MAP3K14):c.428G>A (p.Arg143Gln)

Gene: MAP3K14 (mitogen-activated protein kinase kinase kinase 14; minus strand). Cytogenetic location: 17q21.31.
Variant type: single nucleotide variant.
Coding change: c.428G>A on transcript NM_003954.5 (MANE Select); coding-DNA position 428, G replaced by A.
Protein change: p.Arg143Gln; replaces arginine 143 with glutamine.
Molecular consequence: missense variant.
Genome position (GRCh38, 1-based): chr17:45,287,263, C>T on the plus strand (G>A on the coding strand, the complement: MAP3K14 is on the minus strand). VCF-style: chr17-45287263-C-T. GRCh37 (hg19) VCF-style: chr17-43364629-C-T.
Other names: short protein forms R143Q.
Identifiers: ClinVar variation 2139080 (VCV002139080.1), dbSNP rs369531162, ClinGen allele CA8614355.